The following is an entry in ClinVar:

NM_003401.5(XRCC4):c.411T>G (p.Asn137Lys)

Gene: XRCC4 (X-ray repair cross complementing 4; plus strand). Cytogenetic location: 5q14.2.
Variant type: single nucleotide variant.
Coding change: c.411T>G on transcript NM_003401.5 (MANE Select); coding-DNA position 411, T replaced by G.
Protein change: p.Asn137Lys; replaces asparagine 137 with lysine.
Molecular consequence: missense variant.
Genome position (GRCh38, 1-based): chr5:83,195,865, T>G. VCF-style: chr5-83195865-T-G. GRCh37 (hg19) VCF-style: chr5-82491684-T-G.
Other names: c.411T>G (NM_022406.2); c.411T>G, p.Asn137Lys (NM_001318012.3, NM_001318013.2, NM_022406.5 and 1 more transcripts); short protein forms N137K.
Identifiers: ClinVar variation 711928 (VCV000711928.9), dbSNP rs56334522, ClinGen allele CA3332156.

ClinVar aggregate classification (germline): Benign/Likely benign. Review status: criteria provided, multiple submitters, no conflicts (2 of 4 stars). 2 submissions from 2 submitters: Benign (1); Likely benign (1). Last evaluated 2026-02-01.

Allele frequency attached by ClinVar (database versions not stated): gnomAD exomes 0.00058 and 0.00132; ExAC 0.00159; ESP Exome Variant Server 0.00477; gnomAD 0.00541 and 0.00588; 1000 Genomes Project 0.00559; TOPMed 0.00616; 1000 Genomes Project 30x 0.00656.
gnomAD v4.1: 1,728 of 1,611,822 alleles (0.11%); highest among the groups gnomAD compares: African/African-American, 1.8%; 10 homozygotes.

Submissions (2):

Labcorp Genetics (formerly Invitae), Labcorp
Classification: Benign. Last evaluated: 2026-02-01. Review status: criteria provided, single submitter. Criteria: Invitae Variant Classification Sherloc (09022015). Collection method: clinical testing. Allele origin: germline.

GeneDx
Classification: Likely benign. Last evaluated: 2023-07-19. Review status: criteria provided, single submitter. Criteria: GeneDx Variant Classification Process June 2021. Collection method: clinical testing. Allele origin: germline. Affected: yes.
Comment: See Variant Classification Assertion Criteria.